The following is an entry in ClinVar:

NM_004304.5(ALK):c.3601G>T (p.Gly1201Trp)

Gene: ALK (ALK receptor tyrosine kinase; minus strand). Cytogenetic location: 2p23.2.
Variant type: single nucleotide variant.
Coding change: c.3601G>T on transcript NM_004304.5 (MANE Select); coding-DNA position 3601, G replaced by T.
Protein change: p.Gly1201Trp; replaces glycine 1201 with tryptophan.
Molecular consequence: missense variant.
Genome position (GRCh38, 1-based): chr2:29,220,750, C>A on the plus strand (G>T on the coding strand, the complement: ALK is on the minus strand). VCF-style: chr2-29220750-C-A. GRCh37 (hg19) VCF-style: chr2-29443616-C-A.
Other names: c.397G>T, p.Gly133Trp (NM_001353765.2); short protein forms G1201W, G133W.
Identifiers: ClinVar variation 1984497 (VCV001984497.4), dbSNP rs761333959, ClinGen allele CA346473032.

ClinVar aggregate classification (germline): Uncertain significance (1 of 4 stars; one submission).

Conditions:
Neuroblastoma, susceptibility to, 3. Also called: ALK-Related Neuroblastic Tumor Susceptibility. Identifiers: Orphanet 635, MedGen C2751681, MONDO:0013083, OMIM 613014.

gnomAD v4.1: 1 of 1,613,924 alleles (0.000062%); highest among the groups gnomAD compares: East Asian, 0.0022%; no homozygotes.

Submission:

Labcorp Genetics (formerly Invitae), Labcorp
Classification: Uncertain significance for Neuroblastoma, susceptibility to, 3. Last evaluated: 2022-09-04. Review status: criteria provided, single submitter. Criteria: Invitae Variant Classification Sherloc (09022015). Collection method: clinical testing. Allele origin: germline.
Comment: This variant has not been reported in the literature in individuals affected with ALK-related conditions. In summary, the available evidence is currently insufficient to determine the role of this variant in disease. Therefore, it has been classified as a Variant of Uncertain Significance. Algorithms developed to predict the effect of missense changes on protein structure and function (SIFT, PolyPhen-2, Align-GVGD) all suggest that this variant is likely to be disruptive. This variant is not present in population databases (gnomAD no frequency). This sequence change replaces glycine, which is neutral and non-polar, with tryptophan, which is neutral and slightly polar, at codon 1201 of the ALK protein (p.Gly1201Trp).